The following is an entry in ClinVar:

ClinVar aggregate classification (germline): Uncertain significance (1 of 4 stars; one submission).

Submission:

GeneDx
Classification: Uncertain significance. Last evaluated: 2025-05-29. Review status: criteria provided, single submitter. Criteria: GeneDx Variant Classification Process June 2021. Collection method: clinical testing. Allele origin: germline. Affected: yes.
Comment: Not observed at significant frequency in large population cohorts (gnomAD); In silico analysis suggests that this missense variant does not alter protein structure/function; Has not been previously published as pathogenic or benign to our knowledge

NM_014991.6(WDFY3):c.8833A>G (p.Ile2945Val)

Gene: WDFY3 (WD repeat and FYVE domain containing 3; minus strand). Cytogenetic location: 4q21.23.
Variant type: single nucleotide variant.
Coding change: c.8833A>G on transcript NM_014991.6 (MANE Select); coding-DNA position 8833, A replaced by G.
Protein change: p.Ile2945Val; replaces isoleucine 2945 with valine.
Molecular consequence: missense variant.
Genome position (GRCh38, 1-based): chr4:84,696,038, T>C on the plus strand (A>G on the coding strand, the complement: WDFY3 is on the minus strand). VCF-style: chr4-84696038-T-C. GRCh37 (hg19) VCF-style: chr4-85617191-T-C.
Other names: short protein forms I2945V.
Identifiers: ClinVar variation 4532719 (VCV004532719.1).